The following is an entry in ClinVar:

ClinVar aggregate classification (germline): Pathogenic/Likely pathogenic. Review status: criteria provided, multiple submitters, no conflicts (2 of 4 stars). 2 submissions from 2 submitters: Pathogenic (1); Likely pathogenic (1). Last evaluated 2024-02-23.

Conditions:
Bardet-Biedl syndrome 7 (BBS7). Identifiers: Orphanet 110, MedGen C1859565, MONDO:0014435, OMIM 615984.
Bardet-Biedl syndrome (BBS). Identifiers: Orphanet 110, MedGen C0752166, MONDO:0015229.

Submissions (2):

Labcorp Genetics (formerly Invitae), Labcorp
Classification: Pathogenic for Bardet-Biedl syndrome. Last evaluated: 2024-02-23. Review status: criteria provided, single submitter. Criteria: Invitae Variant Classification Sherloc (09022015). Collection method: clinical testing. Allele origin: germline.
Comment: This sequence change creates a premature translational stop signal (p.Gln616*) in the BBS7 gene. It is expected to result in an absent or disrupted protein product. Loss-of-function variants in BBS7 are known to be pathogenic (PMID: 12567324, 19402160, 21209035, 31196119). This variant is not present in population databases (gnomAD no frequency). This variant has not been reported in the literature in individuals affected with BBS7-related conditions. Algorithms developed to predict the effect of sequence changes on RNA splicing suggest that this variant may disrupt the consensus splice site. For these reasons, this variant has been classified as Pathogenic.

Baylor Genetics
Classification: Likely pathogenic for Bardet-Biedl syndrome 7. Last evaluated: 2023-05-17. Review status: criteria provided, single submitter. Criteria: ACMG Guidelines, 2015. Collection method: clinical testing. Allele origin: unknown.

Literature cited by the submitters: PubMed 12567324 (cited by Labcorp Genetics (formerly Invitae), Labcorp); PubMed 19402160 (cited by Labcorp Genetics (formerly Invitae), Labcorp); PubMed 21209035 (cited by Labcorp Genetics (formerly Invitae), Labcorp); PubMed 31196119 (cited by Labcorp Genetics (formerly Invitae), Labcorp).

NM_176824.3(BBS7):c.1846C>T (p.Gln616Ter)

Gene: BBS7 (Bardet-Biedl syndrome 7; minus strand). Cytogenetic location: 4q27.
Variant type: single nucleotide variant.
Coding change: c.1846C>T on transcript NM_176824.3 (MANE Select); coding-DNA position 1846, C replaced by T.
Protein change: p.Gln616Ter; replaces glutamine 616 with a stop codon.
Molecular consequence: nonsense.
Genome position (GRCh38, 1-based): chr4:121,828,446, G>A on the plus strand (C>T on the coding strand, the complement: BBS7 is on the minus strand). VCF-style: chr4-121828446-G-A. GRCh37 (hg19) VCF-style: chr4-122749601-G-A.
Other names: c.1846C>T, p.Gln616Ter (NM_018190.4); short protein forms Q616*.
Identifiers: ClinVar variation 2680075 (VCV002680075.4), dbSNP rs1725011800, ClinGen allele CA358055011.